The following is an entry in ClinVar:

ClinVar aggregate classification (germline): Uncertain significance (1 of 4 stars; one submission).

gnomAD v4.1: 1 of 1,210,523 alleles (0.000083%); highest among the groups gnomAD compares: Admixed American, 0.0022%; no homozygotes.

Submission:

GeneDx
Classification: Uncertain significance. Last evaluated: 2022-10-28. Review status: criteria provided, single submitter. Criteria: GeneDx Variant Classification Process June 2021. Collection method: clinical testing. Allele origin: germline. Affected: yes.
Comment: Not observed at significant frequency in large population cohorts (gnomAD); Has not been previously published as pathogenic or benign to our knowledge

NM_002294.3(LAMP2):c.1093+2581A>G

Gene: LAMP2 (lysosomal associated membrane protein 2; minus strand). Cytogenetic location: Xq24.
Variant type: single nucleotide variant.
Coding change: c.1093+2581A>G on transcript NM_002294.3 (MANE Select); 2581 bases into the intron after coding-DNA position 1093, A replaced by G.
Molecular consequence: intron variant. On other transcripts: 3 prime UTR variant (1).
Genome position (GRCh38, 1-based): chrX:120,439,149, T>C on the plus strand (A>G on the coding strand, the complement: LAMP2 is on the minus strand). VCF-style: chrX-120439149-T-C. GRCh37 (hg19) VCF-style: chrX-119573004-T-C.
Other names: c.*5A>G (NM_013995.2); c.1093+2581A>G (NM_001122606.1).
Identifiers: ClinVar variation 2500595 (VCV002500595.1), dbSNP rs764949357, ClinGen allele CA644130559.